The following is an entry in ClinVar:

ClinVar aggregate classification (germline): Conflicting classifications of pathogenicity. Review status: criteria provided, conflicting classifications (1 of 4 stars). 5 submissions from 5 submitters: Uncertain significance (1); Benign (1); Likely benign (3). Last evaluated 2025-07-15.

Conditions:
Hereditary cancer-predisposing syndrome. Also called: Tumor predisposition; Hereditary Cancer Syndrome; Hereditary neoplastic syndrome; Neoplastic Syndromes, Hereditary. Identifiers: Orphanet 140162, MedGen C0027672, MeSH D009386, MONDO:0015356.
Peutz-Jeghers syndrome (PJS). Also called: POLYPOSIS, HAMARTOMATOUS INTESTINAL; POLYPS-AND-SPOTS SYNDROME; Peutz-Jeghers polyposis; Periorificial lentiginosis syndrome. Identifiers: Orphanet 2869, MedGen C0031269, MeSH D010580, MONDO:0008280, OMIM 175200.

Allele frequency attached by ClinVar (database versions not stated): gnomAD exomes below 0.00001.
gnomAD v4.1: 1 of 1,607,146 alleles (0.000062%); highest among the groups gnomAD compares: Non-Finnish European, 0.000085%; no homozygotes.

Submissions (5):

Labcorp Genetics (formerly Invitae), Labcorp
Classification: Likely benign for Peutz-Jeghers syndrome. Last evaluated: 2025-07-15. Review status: criteria provided, single submitter. Criteria: Invitae Variant Classification Sherloc (09022015). Collection method: clinical testing. Allele origin: germline.

Myriad Genetics, Inc.
Classification: Benign for Peutz-Jeghers syndrome. Last evaluated: 2025-03-26. Review status: criteria provided, single submitter. Criteria: Myriad Autosomal Dominant, Autosomal Recessive and X-Linked Classification Criteria (2023). Collection method: clinical testing. Allele origin: unknown.
Comment: This variant is considered benign. This variant is a silent/synonymous amino acid change and it is not expected to impact splicing.

Genome-Nilou Lab
Classification: Uncertain significance for Peutz-Jeghers syndrome. Last evaluated: 2021-07-15. Review status: criteria provided, single submitter. Criteria: ACMG Guidelines, 2015. Collection method: clinical testing. Allele origin: germline. Affected: no.

Color Diagnostics, LLC DBA Color Health
Classification: Likely benign for Hereditary cancer-predisposing syndrome. Last evaluated: 2021-06-14. Review status: criteria provided, single submitter. Criteria: ACMG Guidelines, 2015. Collection method: clinical testing. Allele origin: germline.

Ambry Genetics
Classification: Likely benign for Hereditary cancer-predisposing syndrome. Last evaluated: 2019-04-17. Review status: criteria provided, single submitter. Criteria: Ambry Variant Classification Scheme 2023. Collection method: clinical testing. Allele origin: germline.

NM_000455.5(STK11):c.564C>T (p.Gly188=)

Gene: STK11 (serine/threonine kinase 11; plus strand). Cytogenetic location: 19p13.3.
Variant type: single nucleotide variant.
Coding change: c.564C>T on transcript NM_000455.5 (MANE Select); coding-DNA position 564, C replaced by T.
Protein change: p.Gly188=; no amino-acid change (glycine 188 retained).
Molecular consequence: synonymous variant.
Genome position (GRCh38, 1-based): chr19:1,220,472, C>T. VCF-style: chr19-1220472-C-T. GRCh37 (hg19) VCF-style: chr19-1220471-C-T.
Identifiers: ClinVar variation 184225 (VCV000184225.21), dbSNP rs786201344, ClinGen allele CA023079.
Genomic context (GRCh38, chr19:1,220,472, plus strand): 5'-TAGCCAGGGCATTGTGCACAAGGACATCAAGCCGGGGAACCTGCTGCTCACCACCGGTGG[C>T]ACCCTCAAAATCTCCGACCTGGGCGTGGCCGAGGTAGGCACGTGCTAGGGGGGGCCCTGG-3'
Protein context (NP_000446.1, residues 178-198): KPGNLLLTTG[Gly188=]TLKISDLGVA